The following is an entry in ClinVar:

NM_001377265.1(MAPT):c.1120C>A (p.Leu374Met)

Gene: MAPT (microtubule associated protein tau). Cytogenetic location: 17q21.31.
Variant type: single nucleotide variant.
Coding change: c.1120C>A on transcript NM_001377265.1 (MANE Select); coding-DNA position 1120, C replaced by A.
Protein change: p.Leu374Met; replaces leucine 374 with methionine.
Molecular consequence: missense variant. On other transcripts: intron variant (8).
Genome position (GRCh38, 1-based): chr17:45,983,699, C>A. VCF-style: chr17-45983699-C-A. GRCh37 (hg19) VCF-style: chr17-44061065-C-A.
Other names: c.895C>A, p.Leu299Met (NM_001123066.4, NM_016835.5); c.1120C>A, p.Leu374Met (NM_001377266.1); c.200-3341C>A (NM_001377268.1, NM_016834.5, NM_016841.5); c.374-3341C>A (NM_005910.6, NM_001203252.2); c.287-3341C>A (NM_001123067.4, NM_001203251.2, NM_001377267.1); short protein forms L299M, L374M.
Identifiers: ClinVar variation 3377695 (VCV003377695.1).

ClinVar aggregate classification (germline): Uncertain significance (1 of 4 stars; one submission).

Conditions:
Parkinson disease, late-onset (PD). Also called: PARKINSON DISEASE, LATE-ONSET, SUSCEPTIBILITY TO; Susceptibility to Parkinson's Disease; Hereditary late onset Parkinson disease. Identifiers: Orphanet 411602, MedGen C3160718, MONDO:0008199, OMIM 168600.

gnomAD v4.1: 8 of 1,614,016 alleles (0.0005%); highest among the groups gnomAD compares: Middle Eastern, 0.033%; 1 homozygote.

Submission:

Neuberg Centre For Genomic Medicine, NCGM
Classification: Uncertain significance for Parkinson disease, late-onset. Last evaluated: 2023-06-22. Review status: criteria provided, single submitter. Criteria: ACMG Guidelines, 2015. Collection method: clinical testing. Allele origin: germline. Inheritance: Autosomal dominant inheritance. Affected: yes.
Comment: The missense variant c.1120C>A (p.Leu374Met) in the MAPT gene has not been reported previously as a pathogenic variant nor as a benign variant, to our knowledge. This variant is absent in the gnomAD Exomes. The amino acid Leu at position 374 is changed to a Met changing protein sequence and it might alter its composition and physico-chemical properties. Multiple lines of computational evidence (Polyphen - Damaging, SIFT - Damaging and MutationTaster - Disease causing) predict a damaging effect on protein structure and function for this variant. The amino acid change p.Leu374Met in MAPT is predicted as conserved by GERP++ and PhyloP across 100 vertebrates. For these reasons, this variant has been classified as Uncertain Significance.